The following is an entry in ClinVar:

NM_001374828.1(ARID1B):c.5697G>A (p.Glu1899=)

Gene: ARID1B (AT-rich interaction domain 1B; plus strand). Cytogenetic location: 6q25.3.
Variant type: single nucleotide variant.
Coding change: c.5697G>A on transcript NM_001374828.1 (MANE Select); coding-DNA position 5697, G replaced by A.
Protein change: p.Glu1899=; no amino-acid change (glutamic acid 1899 retained).
Molecular consequence: synonymous variant.
Genome position (GRCh38, 1-based): chr6:157,206,469, G>A. VCF-style: chr6-157206469-G-A. GRCh37 (hg19) VCF-style: chr6-157527603-G-A.
Other names: c.5448G>A, p.Glu1816= (NM_001346813.1); c.3198G>A, p.Glu1066= (NM_001363725.2); c.5577G>A, p.Glu1859= (NM_001371656.1, NM_001374820.1); c.5538G>A, p.Glu1846= (NM_017519.3); c.5328G>A, p.Glu1776= (NM_020732.3); c.5115G>A, p.Glu1705= (NM_175863.2).
Identifiers: ClinVar variation 2856292 (VCV002856292.4), dbSNP rs1794461771, ClinGen allele CA452978559.
Genomic context (GRCh38, chr6:157,206,469, plus strand): 5'-AAGCGATGAAAAGAGCAGCATCGCTCTGACTGCCCCGGACGCCGCTGCAGACCCAAAGGA[G>A]AAGCCCAAGCAAGCCAGTAAGTTCGACAAGCTGCCAATAAAGATAGTCAAAAAGAACAAC-3'
Protein context (NP_001361757.1, residues 1889-1909): TAPDAAADPK[Glu1899=]KPKQASKFDK

ClinVar aggregate classification (germline): Likely benign. Review status: criteria provided, single submitter (1 of 4 stars). 2 submissions from 2 submitters: Likely benign (1). 1 of the submissions does not count toward it. Last evaluated 2025-12-16.

Conditions:
ARID1B-Related Disorder. Identifiers: MedGen CN381337.

Allele frequency attached by ClinVar (database versions not stated): TOPMed below 0.00001; gnomAD exomes 0.00002.
gnomAD v4.1: 31 of 1,614,052 alleles (0.0019%); highest among the groups gnomAD compares: Non-Finnish European, 0.0026%; no homozygotes.

Submissions (2):

Labcorp Genetics (formerly Invitae), Labcorp
Classification: Likely benign. Last evaluated: 2025-12-16. Review status: criteria provided, single submitter. Criteria: Invitae Variant Classification Sherloc (09022015). Collection method: clinical testing. Allele origin: germline.

PreventionGenetics, part of Exact Sciences
Classification: Likely benign for ARID1B-related condition. Last evaluated: 2024-07-22. Review status: no assertion criteria provided. Collection method: clinical testing. Allele origin: germline. Not counted in ClinVar's aggregate classification.
Comment: This variant is classified as likely benign based on ACMG/AMP sequence variant interpretation guidelines (Richards et al. 2015 PMID: 25741868, with internal and published modifications).